The following is an entry in ClinVar:

NM_000152.5(GAA):c.1170del (p.Asn390fs)

Gene: GAA (alpha glucosidase; plus strand). Cytogenetic location: 17q25.3.
Variant type: Deletion.
Coding change: c.1170del on transcript NM_000152.5 (MANE Select); coding-DNA position 1170, one base deleted (C; older notation c.1170delC).
Protein change: p.Asn390fs; shifts the reading frame from asparagine 390.
Molecular consequence: frameshift variant.
Genome position (GRCh38, 1-based): chr17:80,108,583, C deleted. VCF-style (leftmost placement, unchanged base first): chr17-80108582-AC-A. GRCh37 (hg19) VCF-style: chr17-78082381-AC-A.
Other names: c.1170del, p.Asn390fs (NM_001079803.3, NM_001079804.3, NM_001406741.1 and 1 more transcripts); short protein forms N390fs.
Identifiers: ClinVar variation 4876614 (VCV004876614.1).
Genomic context (GRCh38, chr17:80,108,582, plus strand): 5'-GCTTCCACCTGTGCCGCTGGGGCTACTCCTCCACCGCTATCACCCGCCAGGTGGTGGAGA[AC>A]ATGACCAGGGCCCACTTCCCCCTGGTGAGTTGGGGTGGTGGCAGGGGAGGCAAGGGGCTG-3'

ClinVar aggregate classification (germline): Likely pathogenic (1 of 4 stars; one submission).

Conditions:
Glycogen storage disease, type II (IOPD). Also called: Pompe Disease; CARDIOMEGALIA GLYCOGENICA DIFFUSA; GLYCOGENOSIS, GENERALIZED, CARDIAC FORM; GSD II; POMPE DISEASE, INFANTILE-ONSET; GLYCOGEN STORAGE DISEASE II, INFANTILE-ONSET. Identifiers: Orphanet 365, MedGen C0017921, MONDO:0009290, OMIM 232300.

Submission:

Genomenon, Inc
Classification: Likely pathogenic for Glycogen storage disease, type II. Last evaluated: 2026-07-01. Review status: criteria provided, single submitter. Criteria: Genomenon Sequence Variant Interpretation Standards - Updated. Collection method: curation. Allele origin: germline. Affected: no.
Comment: GAA p.Asn390LysfsTer2 (c.1170del) is a frameshift variant that is predicted to introduce a premature termination codon and result in a truncated or absent protein product. This variant has been reported in the published literature (PMID:34922579). It is absent or not present at a significant frequency in gnomAD. In conclusion, we classify GAA p.Asn390LysfsTer2 (c.1170del) as a likely pathogenic variant.

Literature cited by the submitters: PubMed 34922579.